The following is an entry in ClinVar:

NM_032242.4(PLXNA1):c.3271G>A (p.Glu1091Lys)

Gene: PLXNA1 (plexin A1; plus strand). Cytogenetic location: 3q21.3.
Variant type: single nucleotide variant.
Coding change: c.3271G>A on transcript NM_032242.4 (MANE Select); coding-DNA position 3271, G replaced by A.
Protein change: p.Glu1091Lys; replaces glutamic acid 1091 with lysine.
Molecular consequence: missense variant.
Genome position (GRCh38, 1-based): chr3:127,017,032, G>A. VCF-style: chr3-127017032-G-A. GRCh37 (hg19) VCF-style: chr3-126735875-G-A.
Other names: short protein forms E1091K.
Identifiers: ClinVar variation 4984241 (VCV004984241.1).

ClinVar aggregate classification (germline): Uncertain significance (1 of 4 stars; one submission).

Conditions:
PLXNA1-related disorder. Also called: PLXNA1-related condition.

Submission:

PreventionGenetics, part of Exact Sciences
Classification: Uncertain significance for PLXNA1-related condition. Last evaluated: 2025-08-26. Review status: criteria provided, single submitter. Criteria: ACMG Guidelines, 2015. Collection method: clinical testing. Allele origin: germline.
Comment: The PLXNA1 c.3271G>A variant is predicted to result in the amino acid substitution p.Glu1091Lys. To our knowledge, this variant has not been reported in the literature or in a large population database (gnomAD), indicating this variant is rare. At this time, the clinical significance of this variant is uncertain due to the absence of conclusive functional and genetic evidence.